The following is an entry in ClinVar:

ClinVar aggregate classification (germline): Uncertain significance (1 of 4 stars; one submission).

Conditions:
Inborn genetic diseases. Identifiers: MedGen C0950123, MeSH D030342.

gnomAD v4.1: 3 of 1,360,388 alleles (0.00022%); highest among the groups gnomAD compares: East Asian, 0.0031%; no homozygotes.

Submission:

Ambry Genetics
Classification: Uncertain significance for Inborn genetic diseases. Last evaluated: 2026-01-20. Review status: criteria provided, single submitter. Criteria: Ambry Variant Classification Scheme 2023. Collection method: clinical testing. Allele origin: germline.
Comment: The c.5818G>A (p.G1940R) alteration is located in exon 15 (coding exon 14) of the APC2 gene. This alteration results from a G to A substitution at nucleotide position 5818, causing the glycine (G) at amino acid position 1940 to be replaced by an arginine (R). Based on data from gnomAD, the A allele has an overall frequency of 0.003% (1/30714) total alleles studied. The highest observed frequency was 0.017% (1/5906) of South Asian alleles. Based on insufficient or conflicting evidence, the clinical significance of this alteration remains unclear.

NM_005883.3(APC2):c.5818G>A (p.Gly1940Arg)

Genes: APC2 (APC regulator of Wnt signaling pathway 2; plus strand), LOC130062956 (ATAC-STARR-seq lymphoblastoid silent region 9718; plus strand). Cytogenetic location: 19p13.3.
Variant type: single nucleotide variant.
Coding change: c.5818G>A on transcript NM_005883.3 (MANE Select); coding-DNA position 5818, G replaced by A.
Protein change: p.Gly1940Arg; replaces glycine 1940 with arginine.
Molecular consequence: missense variant.
Genome position (GRCh38, 1-based): chr19:1,469,119, G>A. VCF-style: chr19-1469119-G-A. GRCh37 (hg19) VCF-style: chr19-1469118-G-A.
Other names: c.5815G>A, p.Gly1939Arg (NM_001351273.1); short protein forms G1939R, G1940R.
Identifiers: ClinVar variation 2294547 (VCV002294547.3), dbSNP rs1228170487, ClinGen allele CA403041974.
Genomic context (GRCh38, chr19:1,469,119, plus strand): 5'-CAGCACAAGACGCAGAGATCGCCCGTGCGGATCCCGTTCATGCAGAGGCCGGCCCGGCGT[G>A]GGCCGCCACCGCTGGCTCGGGCAGTCCCGGAGCCGGGCCCCAGGGGCCGGGCGGGGACCG-3'
Protein context (NP_005874.1, residues 1930-1950): IPFMQRPARR[Gly1940Arg]PPPLARAVPE